The following is an entry in ClinVar:

ClinVar aggregate classification (germline): Uncertain significance (1 of 4 stars; one submission).

gnomAD v4.1: 1 of 1,614,054 alleles (0.000062%); highest among the groups gnomAD compares: Non-Finnish European, 0.000085%; no homozygotes.

Submission:

GeneDx
Classification: Uncertain significance. Last evaluated: 2026-01-22. Review status: criteria provided, single submitter. Criteria: GeneDx Variant Classification Process June 2021. Collection method: clinical testing. Allele origin: germline.
Comment: Not observed at significant frequency in large population cohorts (gnomAD); In silico analysis supports that this missense variant has a deleterious effect on protein structure/function; Has not been previously published as pathogenic or benign to our knowledge

NM_000834.5(GRIN2B):c.3617G>T (p.Trp1206Leu)

Gene: GRIN2B (glutamate ionotropic receptor NMDA type subunit 2B; minus strand). Cytogenetic location: 12p13.1.
Variant type: single nucleotide variant.
Coding change: c.3617G>T on transcript NM_000834.5 (MANE Select); coding-DNA position 3617, G replaced by T.
Protein change: p.Trp1206Leu; replaces tryptophan 1206 with leucine.
Molecular consequence: missense variant.
Genome position (GRCh38, 1-based): chr12:13,563,621, C>A on the plus strand (G>T on the coding strand, the complement: GRIN2B is on the minus strand). VCF-style: chr12-13563621-C-A. GRCh37 (hg19) VCF-style: chr12-13716555-C-A.
Other names: c.3617G>T, p.Trp1206Leu (NM_001413992.1); short protein forms W1206L.
Identifiers: ClinVar variation 4975462 (VCV004975462.1).